The following is an entry in ClinVar:

NM_015910.7(WDPCP):c.*5T>C

Gene: WDPCP (WD repeat containing planar cell polarity effector; minus strand). Cytogenetic location: 2p15.
Variant type: single nucleotide variant.
Coding change: c.*5T>C on transcript NM_015910.7 (MANE Select); 5 bases downstream of the stop codon, T replaced by C.
Molecular consequence: 3 prime UTR variant. On other transcripts: non-coding transcript variant (3).
Genome position (GRCh38, 1-based): chr2:63,122,001, A>G on the plus strand (T>C on the coding strand, the complement: WDPCP is on the minus strand). VCF-style: chr2-63122001-A-G. GRCh37 (hg19) VCF-style: chr2-63349136-A-G.
Other names: c.*5T>C (NM_001042692.3, NM_001354044.2).
Identifiers: ClinVar variation 3358454 (VCV003358454.1).

ClinVar aggregate classification (germline): Likely benign (0 of 4 stars; one submission).

Conditions:
WDPCP-related disorder. Also called: WDPCP-related condition.

Submission:

PreventionGenetics, part of Exact Sciences
Classification: Likely benign for WDPCP-related condition. Last evaluated: 2021-01-22. Review status: no assertion criteria provided. Collection method: clinical testing. Allele origin: germline.
Comment: This variant is classified as likely benign based on ACMG/AMP sequence variant interpretation guidelines (Richards et al. 2015 PMID: 25741868, with internal and published modifications).